The following is an entry in ClinVar:

ClinVar aggregate classification (germline): Uncertain significance. Review status: criteria provided, multiple submitters, no conflicts (2 of 4 stars). 3 submissions from 3 submitters: Uncertain significance (2). 1 of the submissions does not count toward it. Last evaluated 2024-11-28.

Conditions:
Usher syndrome type 1F (USH1F). Also called: USHER SYNDROME, TYPE IF. Identifiers: Orphanet 231169, Orphanet 886, MedGen C1865885, MONDO:0011186, OMIM 602083.
Inborn genetic diseases. Identifiers: MedGen C0950123, MeSH D030342.

Allele frequency attached by ClinVar (database versions not stated): gnomAD exomes below 0.00001; TOPMed below 0.00001; ExAC 0.00001.
gnomAD v4.1: 1 of 1,613,672 alleles (0.000062%); highest among the groups gnomAD compares: Admixed American, 0.0017%; no homozygotes.

Submissions (3):

Ambry Genetics
Classification: Uncertain significance for Inborn genetic diseases. Last evaluated: 2024-11-28. Review status: criteria provided, single submitter. Criteria: Ambry Variant Classification Scheme 2023. Collection method: clinical testing. Allele origin: germline.

Labcorp Genetics (formerly Invitae), Labcorp
Classification: Uncertain significance. Last evaluated: 2022-07-11. Review status: criteria provided, single submitter. Criteria: Invitae Variant Classification Sherloc (09022015). Collection method: clinical testing. Allele origin: germline.
Comment: This sequence change replaces aspartic acid, which is acidic and polar, with histidine, which is basic and polar, at codon 1272 of the PCDH15 protein (p.Asp1272His). This variant is present in population databases (rs766636473, gnomAD 0.003%). This variant has not been reported in the literature in individuals affected with PCDH15-related conditions. ClinVar contains an entry for this variant (Variation ID: 962385). Algorithms developed to predict the effect of missense changes on protein structure and function are either unavailable or do not agree on the potential impact of this missense change (SIFT: "Deleterious"; PolyPhen-2: "Probably Damaging"; Align-GVGD: "Class C0"). In summary, the available evidence is currently insufficient to determine the role of this variant in disease. Therefore, it has been classified as a Variant of Uncertain Significance.

Natera, Inc.
Classification: Uncertain significance for Usher syndrome type 1F. Last evaluated: 2020-01-24. Review status: no assertion criteria provided. Collection method: clinical testing. Allele origin: germline. Not counted in ClinVar's aggregate classification.

NM_001384140.1(PCDH15):c.3814G>C (p.Asp1272His)

Gene: PCDH15 (protocadherin related 15; minus strand). Cytogenetic location: 10q21.1.
Variant type: single nucleotide variant.
Coding change: c.3814G>C on transcript NM_001384140.1 (MANE Select); coding-DNA position 3814, G replaced by C.
Protein change: p.Asp1272His; replaces aspartic acid 1272 with histidine.
Molecular consequence: missense variant.
Genome position (GRCh38, 1-based): chr10:53,840,489, C>G on the plus strand (G>C on the coding strand, the complement: PCDH15 is on the minus strand). VCF-style: chr10-53840489-C-G. GRCh37 (hg19) VCF-style: chr10-55600249-C-G.
Other names: c.3829G>C, p.Asp1277His (NM_001142763.2, NM_001142771.2); c.3814G>C, p.Asp1272His (NM_001142764.2, NM_001142766.2, NM_001142770.3 and 4 more transcripts); c.3601G>C, p.Asp1201His (NM_001142765.2); c.3703G>C, p.Asp1235His (NM_001142767.2); c.3748G>C, p.Asp1250His (NM_001142768.2, NM_001142773.2, NM_001354404.2); c.3850G>C, p.Asp1284His (NM_001142769.4); c.3835G>C, p.Asp1279His (NM_001354411.2); short protein forms D1250H, D1235H, D1272H, D1279H, D1284H, D1201H, D1277H.
Identifiers: ClinVar variation 962385 (VCV000962385.5), dbSNP rs766636473, ClinGen allele CA5505534.